The following is an entry in ClinVar:

NM_015425.6(POLR1A):c.3421G>T (p.Ala1141Ser)

Gene: POLR1A (RNA polymerase I subunit A; minus strand). Cytogenetic location: 2p11.2.
Variant type: single nucleotide variant.
Coding change: c.3421G>T on transcript NM_015425.6 (MANE Select); coding-DNA position 3421, G replaced by T.
Protein change: p.Ala1141Ser; replaces alanine 1141 with serine.
Molecular consequence: missense variant.
Genome position (GRCh38, 1-based): chr2:86,042,040, C>A on the plus strand (G>T on the coding strand, the complement: POLR1A is on the minus strand). VCF-style: chr2-86042040-C-A. GRCh37 (hg19) VCF-style: chr2-86269163-C-A.
Other names: short protein forms A1141S.
Identifiers: ClinVar variation 1717427 (VCV001717427.5), dbSNP rs34892520, ClinGen allele CA347537364.

ClinVar aggregate classification (germline): Uncertain significance (1 of 4 stars; one submission).

Submission:

Labcorp Genetics (formerly Invitae), Labcorp
Classification: Uncertain significance. Last evaluated: 2022-10-17. Review status: criteria provided, single submitter. Criteria: Invitae Variant Classification Sherloc (09022015). Collection method: clinical testing. Allele origin: germline.
Comment: In summary, the available evidence is currently insufficient to determine the role of this variant in disease. Therefore, it has been classified as a Variant of Uncertain Significance. Advanced modeling of protein sequence and biophysical properties (such as structural, functional, and spatial information, amino acid conservation, physicochemical variation, residue mobility, and thermodynamic stability) performed at Invitae indicates that this missense variant is not expected to disrupt POLR1A protein function. This variant has not been reported in the literature in individuals affected with POLR1A-related conditions. This variant is not present in population databases (gnomAD no frequency). This sequence change replaces alanine, which is neutral and non-polar, with serine, which is neutral and polar, at codon 1141 of the POLR1A protein (p.Ala1141Ser).